The following is an entry in ClinVar:

NM_022168.4(IFIH1):c.3067G>T (p.Asp1023Tyr)

Gene: IFIH1 (interferon induced with helicase C domain 1; minus strand). Cytogenetic location: 2q24.2.
Variant type: single nucleotide variant.
Coding change: c.3067G>T on transcript NM_022168.4 (MANE Select); coding-DNA position 3067, G replaced by T.
Protein change: p.Asp1023Tyr; replaces aspartic acid 1023 with tyrosine.
Molecular consequence: missense variant.
Genome position (GRCh38, 1-based): chr2:162,267,211, C>A on the plus strand (G>T on the coding strand, the complement: IFIH1 is on the minus strand). VCF-style: chr2-162267211-C-A. GRCh37 (hg19) VCF-style: chr2-163123721-C-A.
Other names: short protein forms D1023Y.
Identifiers: ClinVar variation 1440729 (VCV001440729.8), dbSNP rs1559808617, ClinGen allele CA348988684.
Genomic context (GRCh38, chr2:162,267,211, plus strand): 5'-ATATTAAATGTTTAACTGATAGTATTTTAAAAGAATCTTCAATCAAGTGCTAATCCTCAT[C>A]ACTAAATAAACAGCATTCTGAATAGTCAAGATTGGGAAATGTGATAGGTAATTCTACCCA-3'
Protein context (NP_071451.2, residues 1013-1025): LDYSECCLFS[Asp1023Tyr]ED

ClinVar aggregate classification (germline): Uncertain significance (1 of 4 stars; one submission).

Conditions:
Singleton-Merten syndrome 1 (SGMRT1). Also called: Widened medullary cavities of bone, aortic calcification, abnormal dentition, and muscular weakness; Syndrome of widened medullary cavities of the metacarpals and phalanges, aortic calcification and abnormal dentition. Identifiers: Orphanet 85191, MedGen C4225427, MONDO:0024535, OMIM 182250.
Aicardi-Goutieres syndrome 7 (AGS7). Identifiers: Orphanet 51, MedGen C3888244, MONDO:0014367, OMIM 615846.

gnomAD v4.1: 1 of 1,586,276 alleles (0.000063%); highest among the groups gnomAD compares: African/African-American, 0.0014%; no homozygotes.

Submission:

Labcorp Genetics (formerly Invitae), Labcorp
Classification: Uncertain significance for Aicardi-Goutieres syndrome 7; Singleton-Merten syndrome 1. Last evaluated: 2025-01-06. Review status: criteria provided, single submitter. Criteria: Invitae Variant Classification Sherloc (09022015). Collection method: clinical testing. Allele origin: germline.
Comment: This sequence change replaces aspartic acid, which is acidic and polar, with tyrosine, which is neutral and polar, at codon 1023 of the IFIH1 protein (p.Asp1023Tyr). This variant is not present in population databases (gnomAD no frequency). This variant has not been reported in the literature in individuals affected with IFIH1-related conditions. ClinVar contains an entry for this variant (Variation ID: 1440729). Invitae Evidence Modeling of protein sequence and biophysical properties (such as structural, functional, and spatial information, amino acid conservation, physicochemical variation, residue mobility, and thermodynamic stability) has been performed for this missense variant. However, the output from this modeling did not meet the statistical confidence thresholds required to predict the impact of this variant on IFIH1 protein function. In summary, the available evidence is currently insufficient to determine the role of this variant in disease. Therefore, it has been classified as a Variant of Uncertain Significance.